The following is an entry in ClinVar:

NM_021814.5(ELOVL5):c.676A>C (p.Thr226Pro)

Gene: ELOVL5 (ELOVL fatty acid elongase 5; minus strand). Cytogenetic location: 6p12.1.
Variant type: single nucleotide variant.
Coding change: c.676A>C on transcript NM_021814.5 (MANE Select); coding-DNA position 676, A replaced by C.
Protein change: p.Thr226Pro; replaces threonine 226 with proline.
Molecular consequence: missense variant.
Genome position (GRCh38, 1-based): chr6:53,270,673, T>G on the plus strand (A>C on the coding strand, the complement: ELOVL5 is on the minus strand). VCF-style: chr6-53270673-T-G. GRCh37 (hg19) VCF-style: chr6-53135471-T-G.
Other names: c.757A>C, p.Thr253Pro (NM_001242828.2); c.551A>C, p.His184Pro (NM_001242830.2); c.676A>C, p.Thr226Pro (NM_001301856.2); short protein forms T226P, T253P, H184P.
Identifiers: ClinVar variation 4778521 (VCV004778521.1).
Genomic context (GRCh38, chr6:53,270,673, plus strand): 5'-AGAGAGCAATCAGGGAAATCATGTATCCAATCTGGAAATACAACCAACCAAGAGGGAATG[T>G]GCACGGCCAGATGACCCCGCAGCTGGTCTGGATGATTGTCAGCACAAACTGAAGCTAGGG-3'
Protein context (NP_068586.1, residues 216-236): QTSCGVIWPC[Thr226Pro]FPLGWLYFQI

ClinVar aggregate classification (germline): Uncertain significance (1 of 4 stars; one submission).

gnomAD v4.1: 5 of 1,614,184 alleles (0.00031%); highest among the groups gnomAD compares: Admixed American, 0.005%; no homozygotes.

Submission:

Labcorp Genetics (formerly Invitae), Labcorp
Classification: Uncertain significance. Last evaluated: 2026-01-07. Review status: criteria provided, single submitter. Criteria: Invitae Variant Classification Sherloc (09022015). Collection method: clinical testing. Allele origin: germline.
Comment: This sequence change replaces threonine, which is neutral and polar, with proline, which is neutral and non-polar, at codon 226 of the ELOVL5 protein (p.Thr226Pro). This variant is present in population databases (rs779651994, gnomAD 0.006%). This variant has not been reported in the literature in individuals affected with ELOVL5-related conditions. Invitae Evidence Modeling of protein sequence and biophysical properties (such as structural, functional, and spatial information, amino acid conservation, physicochemical variation, residue mobility, and thermodynamic stability) indicates that this missense variant is not expected to disrupt ELOVL5 protein function with a negative predictive value of 80%. In summary, the available evidence is currently insufficient to determine the role of this variant in disease. Therefore, it has been classified as a Variant of Uncertain Significance.